The following is an entry in ClinVar:

NM_002181.4(IHH):c.287A>T (p.Asn96Ile)

Gene: IHH (Indian hedgehog signaling molecule; minus strand). Cytogenetic location: 2q35.
Variant type: single nucleotide variant.
Coding change: c.287A>T on transcript NM_002181.4 (MANE Select); coding-DNA position 287, A replaced by T.
Protein change: p.Asn96Ile; replaces asparagine 96 with isoleucine.
Molecular consequence: missense variant.
Genome position (GRCh38, 1-based): chr2:219,060,181, T>A on the plus strand (A>T on the coding strand, the complement: IHH is on the minus strand). VCF-style: chr2-219060181-T-A. GRCh37 (hg19) VCF-style: chr2-219924903-T-A.
Other names: short protein forms N96I.
Identifiers: ClinVar variation 4771647 (VCV004771647.1).

ClinVar aggregate classification (germline): Uncertain significance (1 of 4 stars; one submission).

gnomAD v4.1: 1 of 1,612,134 alleles (0.000062%); highest among the groups gnomAD compares: Non-Finnish European, 0.000085%; no homozygotes.

Submission:

Labcorp Genetics (formerly Invitae), Labcorp
Classification: Uncertain significance. Last evaluated: 2025-07-16. Review status: criteria provided, single submitter. Criteria: Invitae Variant Classification Sherloc (09022015). Collection method: clinical testing. Allele origin: germline.
Comment: This sequence change replaces asparagine, which is neutral and polar, with isoleucine, which is neutral and non-polar, at codon 96 of the IHH protein (p.Asn96Ile). This variant is not present in population databases (gnomAD no frequency). This variant has not been reported in the literature in individuals affected with IHH-related conditions. Invitae Evidence Modeling of protein sequence and biophysical properties (such as structural, functional, and spatial information, amino acid conservation, physicochemical variation, residue mobility, and thermodynamic stability) indicates that this missense variant is expected to disrupt IHH protein function with a positive predictive value of 80%. In summary, the available evidence is currently insufficient to determine the role of this variant in disease. Therefore, it has been classified as a Variant of Uncertain Significance.